The following is an entry in ClinVar:

ClinVar aggregate classification (germline): Uncertain significance (1 of 4 stars; one submission).

Conditions:
Leukodystrophy, hypomyelinating, 15. Identifiers: MedGen C4693733, MONDO:0054782, OMIM 617951.

Submission:

Baylor Genetics
Classification: Uncertain significance for Leukodystrophy, hypomyelinating, 15. Last evaluated: 2019-12-18. Review status: criteria provided, single submitter. Criteria: ACMG Guidelines, 2015. Collection method: clinical testing. Allele origin: unknown. Affected: yes.
Comment: This variant was determined to be of uncertain significance according to ACMG Guidelines, 2015 [PMID:25741868].

NM_004446.3(EPRS1):c.2372A>G (p.Tyr791Cys)

Gene: EPRS1 (glutamyl-prolyl-tRNA synthetase 1; minus strand). Cytogenetic location: 1q41.
Variant type: single nucleotide variant.
Coding change: c.2372A>G on transcript NM_004446.3 (MANE Select); coding-DNA position 2372, A replaced by G.
Protein change: p.Tyr791Cys; replaces tyrosine 791 with cysteine.
Molecular consequence: missense variant.
Genome position (GRCh38, 1-based): chr1:219,997,152, T>C on the plus strand (A>G on the coding strand, the complement: EPRS1 is on the minus strand). VCF-style: chr1-219997152-T-C. GRCh37 (hg19) VCF-style: chr1-220170494-T-C.
Other names: short protein forms Y791C.
Identifiers: ClinVar variation 1028241 (VCV001028241.1), dbSNP rs1661252301, ClinGen allele CA344647196.